The following is an entry in ClinVar:

ClinVar aggregate classification (germline): Pathogenic. Review status: criteria provided, multiple submitters, no conflicts (2 of 4 stars). 3 submissions from 3 submitters: Pathogenic (3). Last evaluated 2024-05-14.

Conditions:
Primary ciliary dyskinesia 3. Identifiers: Orphanet 244, MedGen C1837618, MONDO:0012085, OMIM 608644.
Primary ciliary dyskinesia. Also called: Ciliary dyskinesia. Identifiers: Orphanet 244, MedGen C0008780, MONDO:0016575, HP:0012265.

Submissions (3):

Myriad Genetics, Inc.
Classification: Pathogenic for Primary ciliary dyskinesia 3. Last evaluated: 2024-05-14. Review status: criteria provided, single submitter. Criteria: Myriad Autosomal Dominant, Autosomal Recessive and X-Linked Classification Criteria (2023). Collection method: clinical testing. Allele origin: unknown.
Comment: NM_001369.2(DNAH5):c.7455_7456dupGT(F2486Cfs*86) is expected to be pathogenic in the context of primary ciliary dyskinesia, DNAH5-related. This variant is predicted to lead to an abnormal or absent protein product due to the creation of a premature termination codon in DNAH5, a gene where loss-of-function variants are known to be pathogenic. Please note: this variant was assessed in the context of healthy population screening.

Labcorp Genetics (formerly Invitae), Labcorp
Classification: Pathogenic for Primary ciliary dyskinesia. Last evaluated: 2023-09-29. Review status: criteria provided, single submitter. Criteria: Invitae Variant Classification Sherloc (09022015). Collection method: clinical testing. Allele origin: germline.
Comment: For these reasons, this variant has been classified as Pathogenic. ClinVar contains an entry for this variant (Variation ID: 1073508). This premature translational stop signal has been observed in individual(s) with primary ciliary dyskinesia (PMID: 31638833). This variant is not present in population databases (gnomAD no frequency). This sequence change creates a premature translational stop signal (p.Phe2486Cysfs*86) in the DNAH5 gene. It is expected to result in an absent or disrupted protein product. Loss-of-function variants in DNAH5 are known to be pathogenic (PMID: 11788826, 16627867).

Ambry Genetics
Classification: Pathogenic for Primary ciliary dyskinesia. Last evaluated: 2014-08-08. Review status: criteria provided, single submitter. Criteria: Ambry Variant Classification Scheme 2023. Collection method: clinical testing. Allele origin: germline.
Comment: The c.7455_7456dupGT pathogenic mutation, located in coding exon 45 of the DNAH5 gene, results from a duplication of GT at nucleotide position 7455, causing a translational frameshift with a predicted alternate stop codon. Since frameshifts are typically deleterious in nature, this alteration is interpreted as a disease-causing mutation (ACMG Recommendations for Standards for Interpretation and Reporting of Sequence Variations. Revision 2007. Genet Med. 2008;10:294).

Literature cited by the submitters: PubMed 31638833 (cited by Labcorp Genetics (formerly Invitae), Labcorp); PubMed 11788826 (cited by Labcorp Genetics (formerly Invitae), Labcorp); PubMed 16627867 (cited by Labcorp Genetics (formerly Invitae), Labcorp).

NM_001369.3(DNAH5):c.7455_7456dup (p.Phe2486fs)

Gene: DNAH5 (dynein axonemal heavy chain 5; minus strand). Cytogenetic location: 5p15.2.
Variant type: Microsatellite.
Coding change: c.7455_7456dup on transcript NM_001369.3 (MANE Select); coding-DNA positions 7455 to 7456, 2 bases duplicated (GT; older notation c.7455_7456dupGT).
Protein change: p.Phe2486fs; shifts the reading frame from phenylalanine 2486.
Molecular consequence: frameshift variant.
Genome position (GRCh38, 1-based): chr5:13,810,212-13,810,213, AC duplicated on the plus strand (GT on the coding strand, the reverse complement: DNAH5 is on the minus strand); duplicating any 2 consecutive bases within chr5:13,810,212-13,810,215 gives the same sequence; the c. name uses the placement nearest the transcript's 3' end. VCF-style (leftmost placement, unchanged base first): chr5-13810211-A-AAC. GRCh37 (hg19) VCF-style: chr5-13810320-A-AAC.
Other names: short protein forms F2486fs.
Identifiers: ClinVar variation 1073508 (VCV001073508.19), dbSNP rs2127015093, ClinGen allele CA2580613521.